The following is an entry in ClinVar:

ClinVar aggregate classification (germline): Pathogenic. Review status: criteria provided, multiple submitters, no conflicts (2 of 4 stars). 3 submissions from 3 submitters: Pathogenic (3). Last evaluated 2024-10-29.

Conditions:
Hereditary cancer-predisposing syndrome. Also called: Hereditary neoplastic syndrome; Neoplastic Syndromes, Hereditary; Hereditary Cancer Syndrome; Tumor predisposition. Identifiers: Orphanet 140162, MedGen C0027672, MeSH D009386, MONDO:0015356.
Cardiovascular phenotype. Identifiers: MedGen CN230736.
Neurofibromatosis, type 1 (NF1). Also called: Peripheral type neurofibromatosis; Neurofibromatosis, type I; VON RECKLINGHAUSEN DISEASE; NEUROFIBROMATOSIS, TYPE I, SOMATIC. Identifiers: Orphanet 636, MedGen C0027831, MONDO:0018975, OMIM 162200. Disease mechanism: loss of function.

Submissions (3):

Ambry Genetics
Classification: Pathogenic for Cardiovascular phenotype; Hereditary cancer-predisposing syndrome. Last evaluated: 2024-10-29. Review status: criteria provided, single submitter. Criteria: Ambry Variant Classification Scheme 2023. Collection method: clinical testing. Allele origin: germline.
Comment: The c.999delC pathogenic mutation, located in coding exon 9 of the NF1 gene, results from a deletion of one nucleotide at nucleotide position 999, causing a translational frameshift with a predicted alternate stop codon (p.Y333*). This variant has been observed in at least one individual with a personal and/or family history that is consistent with neurofibromatosis type 1 (Pros E et al. Hum. Mutat. 2008 Sep;29:E173-93; Ambry internal data). This variant is considered to be rare based on population cohorts in the Genome Aggregation Database (gnomAD). This alteration is expected to result in loss of function by premature protein truncation or nonsense-mediated mRNA decay. As such, this alteration is interpreted as a disease-causing mutation.

Labcorp Genetics (formerly Invitae), Labcorp
Classification: Pathogenic for Neurofibromatosis, type 1. Last evaluated: 2024-06-04. Review status: criteria provided, single submitter. Criteria: Invitae Variant Classification Sherloc (09022015). Collection method: clinical testing. Allele origin: germline.
Comment: This sequence change creates a premature translational stop signal (p.Tyr333*) in the NF1 gene. It is expected to result in an absent or disrupted protein product. Loss-of-function variants in NF1 are known to be pathogenic (PMID: 10712197, 23913538). This variant is not present in population databases (gnomAD no frequency). This premature translational stop signal has been observed in individual(s) with neurofibromatosis type 1 (PMID: 12807981). ClinVar contains an entry for this variant (Variation ID: 1186677). Algorithms developed to predict the effect of sequence changes on RNA splicing suggest that this variant may disrupt the consensus splice site. For these reasons, this variant has been classified as Pathogenic.

GeneDx
Classification: Pathogenic. Last evaluated: 2019-07-03. Review status: criteria provided, single submitter. Criteria: GeneDx Variant Classification Process June 2021. Collection method: clinical testing. Allele origin: germline. Affected: yes.
Comment: Nonsense variant predicted to result in protein truncation or nonsense mediated decay in a gene for which loss-of-function is a known mechanism of disease; Not observed in large population cohorts (Lek et al., 2016); This variant is associated with the following publications: (PMID: 28955729, 27980226, 18546366, 12807981, 28529006, 29685074, 27838393)

Literature cited by the submitters: PubMed 18546366 (cited by Ambry Genetics); PubMed 10712197 (cited by Labcorp Genetics (formerly Invitae), Labcorp); PubMed 23913538 (cited by Labcorp Genetics (formerly Invitae), Labcorp); PubMed 12807981 (cited by Labcorp Genetics (formerly Invitae), Labcorp).

NM_001042492.3(NF1):c.999del (p.Thr332_Tyr333insTer)

Gene: NF1 (neurofibromin 1; plus strand). Cytogenetic location: 17q11.2.
Variant type: Deletion.
Coding change: c.999del on transcript NM_001042492.3 (MANE Select); coding-DNA position 999, one base deleted (C; older notation c.999delC).
Protein change: p.Thr332_Tyr333insTer.
Molecular consequence: nonsense. On other transcripts: frameshift variant (1).
Genome position (GRCh38, 1-based): chr17:31,200,532, C deleted. VCF-style (leftmost placement, unchanged base first): chr17-31200531-AC-A. GRCh37 (hg19) VCF-style: chr17-29527549-AC-A.
Other names: c.999delC (NM_000267.3); c.999delC, p.Tyr333Terfs (NM_000267.4); c.999del, p.Thr332_Tyr333insTer (NM_001128147.3).
Identifiers: ClinVar variation 1186677 (VCV001186677.7), dbSNP rs2143873634, ClinGen allele CA2499224012.